The following is an entry in ClinVar:

ClinVar aggregate classification (germline): Uncertain significance (1 of 4 stars; one submission).

Conditions:
Multiple endocrine neoplasia, type 2 (MEN2). Identifiers: Orphanet 653, MedGen C4048306, MONDO:0019003. Disease mechanism: gain of function.

Submission:

Labcorp Genetics (formerly Invitae), Labcorp
Classification: Uncertain significance for Multiple endocrine neoplasia, type 2. Last evaluated: 2022-02-19. Review status: criteria provided, single submitter. Criteria: Invitae Variant Classification Sherloc (09022015). Collection method: clinical testing. Allele origin: germline.
Comment: In summary, the available evidence is currently insufficient to determine the role of this variant in disease. Therefore, it has been classified as a Variant of Uncertain Significance. Algorithms developed to predict the effect of missense changes on protein structure and function (SIFT, PolyPhen-2, Align-GVGD) all suggest that this variant is likely to be tolerated. ClinVar contains an entry for this variant (Variation ID: 1039962). This variant has not been reported in the literature in individuals affected with RET-related conditions. This variant is not present in population databases (gnomAD no frequency). This sequence change replaces glutamic acid, which is acidic and polar, with glutamine, which is neutral and polar, at codon 289 of the RET protein (p.Glu289Gln).

NM_020975.6(RET):c.865G>C (p.Glu289Gln)

Gene: RET (ret proto-oncogene; plus strand). Cytogenetic location: 10q11.21.
Variant type: single nucleotide variant.
Coding change: c.865G>C on transcript NM_020975.6 (MANE Select); coding-DNA position 865, G replaced by C.
Protein change: p.Glu289Gln; replaces glutamic acid 289 with glutamine.
Molecular consequence: missense variant.
Genome position (GRCh38, 1-based): chr10:43,105,191, G>C. VCF-style: chr10-43105191-G-C. GRCh37 (hg19) VCF-style: chr10-43600639-G-C.
Other names: c.865G>C, p.Glu289Gln (NM_000323.2, NM_001406743.1, NM_001406744.1 and 8 more transcripts); c.103G>C, p.Glu35Gln (NM_001355216.2); c.736G>C, p.Glu246Gln (NM_001406761.1, NM_001406762.1, NM_001406764.1 and 2 more transcripts); c.577G>C, p.Glu193Gln (NM_001406766.1, NM_001406767.1, NM_001406770.1); short protein forms E289Q, E35Q, E246Q, E193Q.
Identifiers: ClinVar variation 1039962 (VCV001039962.11), dbSNP rs1837741195, ClinGen allele CA376545457.